The following is an entry in ClinVar:

ClinVar aggregate classification (germline): Uncertain significance (1 of 4 stars; one submission).

Conditions:
Mendelian susceptibility to mycobacterial diseases due to complete ISG15 deficiency. Also called: Immunodeficiency 38; IMMUNODEFICIENCY 38, MYCOBACTERIOSIS, AUTOSOMAL RECESSIVE; ISG15 DEFICIENCY, AUTOSOMAL RECESSIVE; Immunodeficiency 38 with basal ganglia calcification. Identifiers: Orphanet 319563, MedGen C4015293, MONDO:0014502, OMIM 616126.

Allele frequency attached by ClinVar (database versions not stated): gnomAD exomes below 0.00001; gnomAD 0.00001; TOPMed 0.00003.
gnomAD v4.1: 5 of 1,612,918 alleles (0.00031%); highest among the groups gnomAD compares: African/African-American, 0.004%; no homozygotes.

Submission:

Labcorp Genetics (formerly Invitae), Labcorp
Classification: Uncertain significance for Mendelian susceptibility to mycobacterial diseases due to complete ISG15 deficiency. Last evaluated: 2022-06-29. Review status: criteria provided, single submitter. Criteria: Invitae Variant Classification Sherloc (09022015). Collection method: clinical testing. Allele origin: germline.
Comment: This sequence change replaces proline, which is neutral and non-polar, with leucine, which is neutral and non-polar, at codon 144 of the ISG15 protein (p.Pro144Leu). This variant is present in population databases (no rsID available, gnomAD 0.007%). This variant has not been reported in the literature in individuals affected with ISG15-related conditions. Algorithms developed to predict the effect of missense changes on protein structure and function are either unavailable or do not agree on the potential impact of this missense change (SIFT: "Tolerated"; PolyPhen-2: "Possibly Damaging"; Align-GVGD: "Class C0"). In summary, the available evidence is currently insufficient to determine the role of this variant in disease. Therefore, it has been classified as a Variant of Uncertain Significance.

NM_005101.4(ISG15):c.431C>T (p.Pro144Leu)

Gene: ISG15 (ISG15 ubiquitin like modifier; plus strand). Cytogenetic location: 1p36.33.
Variant type: single nucleotide variant.
Coding change: c.431C>T on transcript NM_005101.4 (MANE Select); coding-DNA position 431, C replaced by T.
Protein change: p.Pro144Leu; replaces proline 144 with leucine.
Molecular consequence: missense variant.
Genome position (GRCh38, 1-based): chr1:1,014,411, C>T. VCF-style: chr1-1014411-C-T. GRCh37 (hg19) VCF-style: chr1-949791-C-T.
Other names: short protein forms P144L.
Identifiers: ClinVar variation 1951973 (VCV001951973.5), dbSNP rs1002915990, ClinGen allele CA16725834.